The following is an entry in ClinVar:

ClinVar aggregate classification (germline): Uncertain significance (1 of 4 stars; one submission).

Submission:

GeneDx
Classification: Uncertain significance. Last evaluated: 2024-06-14. Review status: criteria provided, single submitter. Criteria: GeneDx Variant Classification Process June 2021. Collection method: clinical testing. Allele origin: germline. Affected: yes.
Comment: Not observed at significant frequency in large population cohorts (gnomAD); In silico analysis supports that this missense variant has a deleterious effect on protein structure/function; Has not been previously published as pathogenic or benign to our knowledge

NM_001273.5(CHD4):c.5279T>A (p.Ile1760Asn)

Genes: CHD4 (chromodomain helicase DNA binding protein 4; minus strand), CHD4-AS1 (CHD4 antisense RNA 1; plus strand). Cytogenetic location: 12p13.31.
Variant type: single nucleotide variant.
Coding change: c.5279T>A on transcript NM_001273.5 (MANE Select); coding-DNA position 5279, T replaced by A.
Protein change: p.Ile1760Asn; replaces isoleucine 1760 with asparagine.
Molecular consequence: missense variant.
Genome position (GRCh38, 1-based): chr12:6,577,867, A>T on the plus strand (T>A on the coding strand, the complement: CHD4 is on the minus strand). VCF-style: chr12-6577867-A-T. GRCh37 (hg19) VCF-style: chr12-6687033-A-T.
Other names: c.5258T>A, p.Ile1753Asn (NM_001297553.2); c.5246T>A, p.Ile1749Asn (NM_001363606.2); short protein forms I1749N, I1753N, I1760N.
Identifiers: ClinVar variation 3390551 (VCV003390551.1).
Genomic context (GRCh38, chr12:6,577,867, plus strand): 5'-TTATTCTTGATCTCTAAGAAATTGCCACGGTTCATTTCACCCTTGAAAGGCTCATTGAGG[A>T]TGGCATAGCGTGGGTCATTCTGGATGTCTTGCCACCGGGCATAGCCATGGCTATTGGAAA-3'
Protein context (NP_001264.2, residues 1750-1770): QDIQNDPRYA[Ile1760Asn]LNEPFKGEMN